The following is an entry in ClinVar:

NM_000441.2(SLC26A4):c.765+5G>A

Gene: SLC26A4 (solute carrier family 26 member 4; plus strand). Cytogenetic location: 7q22.3.
Variant type: single nucleotide variant.
Coding change: c.765+5G>A on transcript NM_000441.2 (MANE Select); 5 bases into the intron after coding-DNA position 765, G replaced by A.
Molecular consequence: intron variant.
Genome position (GRCh38, 1-based): chr7:107,675,114, G>A. VCF-style: chr7-107675114-G-A. GRCh37 (hg19) VCF-style: chr7-107315559-G-A.
Other names: c.765+5G>A (NM_000441.1).
Identifiers: ClinVar variation 1203752 (VCV001203752.8), dbSNP rs947864801, ClinGen allele CA164200186.

ClinVar aggregate classification (germline): Conflicting classifications of pathogenicity. Review status: criteria provided, conflicting classifications (1 of 4 stars). 4 submissions from 4 submitters: Likely pathogenic (2); Uncertain significance (2). Last evaluated 2026-03-02.

Conditions:
Autosomal recessive nonsyndromic hearing loss 4 (DFNB4). Also called: Nonsyndromic enlarged vestibular aqueduct (NSEVA); FOXI1-Related Pendred Syndrome; KCNJ10-Related Pendred Syndrome; Deafness, autosomal recessive 4, with enlarged vestibular aqueduct; Deafness, autosomal recessive 4; DEAFNESS, AUTOSOMAL RECESSIVE 4, WITH ENLARGED VESTIBULAR AQUEDUCT, DIGENIC. Identifiers: Orphanet 90636, MedGen C3538946, MONDO:0010933, OMIM 600791.
SLC26A4-related disorder. Also called: SLC26A4-related condition; SLC26A4-related disorders.

Allele frequency attached by ClinVar (database versions not stated): gnomAD exomes below 0.00001 and 0.00001; gnomAD 0.00001; TOPMed 0.00002.
gnomAD v4.1: 7 of 1,613,186 alleles (0.00043%); highest among the groups gnomAD compares: African/African-American, 0.0094%; no homozygotes.

Submissions (4):

PreventionGenetics, part of Exact Sciences
Classification: Uncertain significance for SLC26A4-related condition. Last evaluated: 2026-03-02. Review status: criteria provided, single submitter. Criteria: ACMG Guidelines, 2015. Collection method: clinical testing. Allele origin: germline.
Comment: The SLC26A4 c.765+5G>A variant is predicted to interfere with splicing. This variant is predicted to impact splicing based on available splicing prediction programs (SpliceAI, Jaganathan et al. 2019. PubMed ID: 30661751). To our knowledge, this variant has not been reported in the literature. This variant is reported in 0.012% of alleles in individuals of African descent in gnomAD. In ClinVar this variant has conflicting interpretations ranging from uncertain to likely pathogenic (Variation ID: 1203752). Although we suspect that this variant may be pathogenic, at this time, the clinical significance of this variant is uncertain due to the absence of conclusive functional and genetic evidence.

Institute of Rare Diseases, West China Hospital, Sichuan University
Classification: Likely pathogenic for Autosomal recessive nonsyndromic hearing loss 4. Last evaluated: 2025-01-09. Review status: criteria provided, single submitter. Criteria: ClinGen HL ACMG Specifications v1. Collection method: research. Allele origin: germline. Affected: yes.
Comment: PP3;PM3_Strong;PP4;PM2_Supporting

Labcorp Genetics (formerly Invitae), Labcorp
Classification: Likely pathogenic. Last evaluated: 2024-05-29. Review status: criteria provided, single submitter. Criteria: Invitae Variant Classification Sherloc (09022015). Collection method: clinical testing. Allele origin: germline.
Comment: This sequence change falls in intron 6 of the SLC26A4 gene. It does not directly change the encoded amino acid sequence of the SLC26A4 protein. It affects a nucleotide within the consensus splice site. This variant is present in population databases (no rsID available, gnomAD 0.01%). This variant has been observed in individual(s) with clinical features of SLC26A4-related conditions (Invitae). In at least one individual the data is consistent with being in trans (on the opposite chromosome) from a pathogenic variant. ClinVar contains an entry for this variant (Variation ID: 1203752). Variants that disrupt the consensus splice site are a relatively common cause of aberrant splicing (PMID: 17576681, 9536098). Algorithms developed to predict the effect of sequence changes on RNA splicing suggest that this variant may disrupt the consensus splice site. In summary, the currently available evidence indicates that the variant is pathogenic, but additional data are needed to prove that conclusively. Therefore, this variant has been classified as Likely Pathogenic.

GeneDx
Classification: Uncertain significance. Last evaluated: 2023-03-29. Review status: criteria provided, single submitter. Criteria: GeneDx Variant Classification Process June 2021. Collection method: clinical testing. Allele origin: germline. Affected: yes.
Comment: Intronic +5 splice site variant in a gene for which loss-of-function is a known mechanism of disease, and both splice predictors and evolutionary conservation support a deleterious effect, although in the absence of functional evidence the actual effect of this sequence change is unknown.; Has not been previously published as pathogenic or benign to our knowledge

Literature cited by the submitters: PubMed 17576681 (cited by Labcorp Genetics (formerly Invitae), Labcorp); PubMed 9536098 (cited by Labcorp Genetics (formerly Invitae), Labcorp).